The following is an entry in ClinVar:

ClinVar aggregate classification (germline): Uncertain significance (1 of 4 stars; one submission).

Conditions:
Catecholaminergic polymorphic ventricular tachycardia 1. Also called: RYR2-Related Catecholaminergic Polymorphic Ventricular Tachycardia; VENTRICULAR TACHYCARDIA, CATECHOLAMINERGIC POLYMORPHIC, 1, WITH OR WITHOUT ATRIAL DYSFUNCTION AND/OR DILATED CARDIOMYOPATHY; VENTRICULAR TACHYCARDIA, STRESS-INDUCED POLYMORPHIC 1. Identifiers: Orphanet 3286, MedGen C1631597, MONDO:0011484, OMIM 604772.

Submission:

Labcorp Genetics (formerly Invitae), Labcorp
Classification: Uncertain significance for Catecholaminergic polymorphic ventricular tachycardia 1. Last evaluated: 2023-10-16. Review status: criteria provided, single submitter. Criteria: Invitae Variant Classification Sherloc (09022015). Collection method: clinical testing. Allele origin: unknown.
Comment: This variant is a gross deletion of the genomic region encompassing exon(s) 2-17 of the RYR2 gene. This deletion is out-of-frame, and is expected to create a premature translational stop signal and result in an absent or disrupted protein product. However, the current clinical and genetic evidence is not sufficient to establish whether loss-of-function variants in RYR2 cause disease. This variant has not been reported in the literature in individuals affected with RYR2-related conditions. In summary, the available evidence is currently insufficient to determine the role of this variant in disease. Therefore, it has been classified as a Variant of Uncertain Significance.

NC_000001.10:g.(?_237433777)_(237632507_?)del

Gene: RYR2 (ryanodine receptor 2; plus strand). Cytogenetic location: 1q43.
Variant type: Deletion.
Identifiers: ClinVar variation 3247727 (VCV003247727.1).